The following is an entry in ClinVar:

ClinVar aggregate classification (germline): Conflicting classifications of pathogenicity. Review status: criteria provided, conflicting classifications (1 of 4 stars). 2 submissions from 2 submitters: Uncertain significance (1); Likely benign (1). Last evaluated 2023-10-11.

Conditions:
Tay-Sachs disease (TSD). Also called: HEXA Disorders; HEXA DEFICIENCY; GM2 gangliosidosis, type 1; Hexosaminidase alpha-subunit deficiency (variant B); Sphingolipidosis, Tay-Sachs; Hexosaminidase A Deficiency. Identifiers: Orphanet 845, MedGen C0039373, MONDO:0010100, OMIM 272800.

Submissions (2):

GeneDx
Classification: Uncertain significance. Last evaluated: 2023-10-11. Review status: criteria provided, single submitter. Criteria: GeneDx Variant Classification Process June 2021. Collection method: clinical testing. Allele origin: germline. Affected: yes.
Comment: Not observed at significant frequency in large population cohorts (gnomAD); In silico analysis supports that this variant does not alter splicing; Has not been previously published as pathogenic or benign to our knowledge

Labcorp Genetics (formerly Invitae), Labcorp
Classification: Likely benign for Tay-Sachs disease. Last evaluated: 2023-09-03. Review status: criteria provided, single submitter. Criteria: Invitae Variant Classification Sherloc (09022015). Collection method: clinical testing. Allele origin: germline.

NM_000520.6(HEXA):c.1331-7C>G

Gene: HEXA (hexosaminidase subunit alpha; minus strand). Cytogenetic location: 15q23.
Variant type: single nucleotide variant.
Coding change: c.1331-7C>G on transcript NM_000520.6 (MANE Select); 7 bases into the intron before coding-DNA position 1331, C replaced by G.
Molecular consequence: intron variant.
Genome position (GRCh38, 1-based): chr15:72,346,332, G>C on the plus strand (C>G on the coding strand, the complement: HEXA is on the minus strand). VCF-style: chr15-72346332-G-C. GRCh37 (hg19) VCF-style: chr15-72638673-G-C.
Other names: c.1364-7C>G (NM_001318825.2).
Identifiers: ClinVar variation 2757676 (VCV002757676.4), dbSNP rs778594889, ClinGen allele CA491115603.